The following is an entry in ClinVar:

NM_001148.6(ANK2):c.7807C>G (p.Gln2603Glu)

Genes: ANK2 (ankyrin 2; plus strand), LOC126807137 (CDK7 strongly-dependent group 2 enhancer GRCh37_chr4:114276560-114277759; plus strand). Cytogenetic location: 4q26.
Variant type: single nucleotide variant.
Coding change: c.7807C>G on transcript NM_001148.6 (MANE Select); coding-DNA position 7807, C replaced by G.
Protein change: p.Gln2603Glu; replaces glutamine 2603 with glutamic acid.
Molecular consequence: missense variant. On other transcripts: intron variant (68).
Genome position (GRCh38, 1-based): chr4:113,356,425, C>G. VCF-style: chr4-113356425-C-G. GRCh37 (hg19) VCF-style: chr4-114277581-C-G.
Other names: c.7573C>G, p.Gln2525Glu (NM_001386142.1); c.4207C>G, p.Gln1403Glu (NM_001386166.1); c.7948C>G, p.Gln2650Glu (NM_001386174.1); c.7924C>G, p.Gln2642Glu (NM_001386175.1); c.4412-4398C>G (NM_001386186.2, NM_001386148.2); c.4214-4398C>G (NM_001354269.3); c.4292-4398C>G (NM_001386187.2); c.4253-4398C>G (NM_001386147.1); and 35 more; short protein forms Q2650E, Q1403E, Q2525E, Q2603E, Q2642E.
Identifiers: ClinVar variation 1964027 (VCV001964027.5), dbSNP rs1391709046, ClinGen allele CA357932186.

ClinVar aggregate classification (germline): Uncertain significance (1 of 4 stars; one submission).

Conditions:
Long QT syndrome (LQTS). Identifiers: MedGen C0023976, MeSH D008133, MONDO:0002442. Disease mechanism: loss of function. Inheritance: Various modes of inheritance.

Submission:

Labcorp Genetics (formerly Invitae), Labcorp
Classification: Uncertain significance for Long QT syndrome. Last evaluated: 2022-03-26. Review status: criteria provided, single submitter. Criteria: Invitae Variant Classification Sherloc (09022015). Collection method: clinical testing. Allele origin: germline.
Comment: In summary, the available evidence is currently insufficient to determine the role of this variant in disease. Therefore, it has been classified as a Variant of Uncertain Significance. Algorithms developed to predict the effect of missense changes on protein structure and function are either unavailable or do not agree on the potential impact of this missense change (SIFT: "Tolerated"; PolyPhen-2: "Possibly Damaging"; Align-GVGD: "Class C0"). This variant has not been reported in the literature in individuals affected with ANK2-related conditions. This variant is not present in population databases (gnomAD no frequency). This sequence change replaces glutamine, which is neutral and polar, with glutamic acid, which is acidic and polar, at codon 2603 of the ANK2 protein (p.Gln2603Glu).